The following is an entry in ClinVar:

ClinVar aggregate classification (germline): Pathogenic/Likely pathogenic. Review status: criteria provided, multiple submitters, no conflicts (2 of 4 stars). 8 submissions from 7 submitters: Pathogenic (3); Likely pathogenic (1). 4 of the submissions do not count toward it. Last evaluated 2025-12-18.

Conditions:
Small vessel cerebrovascular disease. Identifiers: MedGen C2733158, MeSH D059345.
Personality changes. Identifiers: MedGen C0240735, HP:0000751.
Cognitive impairment. Also called: cognitive deficit. Identifiers: MedGen C0338656, HP:0100543.
Seizure. Also called: Seizures. Identifiers: MedGen C0036572, HP:0001250.
Cerebral arteriopathy, autosomal dominant, with subcortical infarcts and leukoencephalopathy, type 2 (CADASIL2). Identifiers: MedGen C4225211, MONDO:0014768, OMIM 616779.
Cerebral arteriopathy, autosomal recessive, with subcortical infarcts and leukoencephalopathy 2. Also called: MAEDA SYNDROME; CEREBROVASCULAR DISEASE WITH THIN SKIN, ALOPECIA, AND DISC DISEASE; SUBCORTICAL VASCULAR ENCEPHALOPATHY, PROGRESSIVE; CARASIL syndrome; Cerebral autosomal recessive arteriopathy with subcortical infarcts and leukoencephalopathy. Identifiers: Orphanet 199354, MedGen C6022615, MONDO:0010829, OMIM 600142.

Allele frequency attached by ClinVar (database versions not stated): gnomAD exomes 0.00001; gnomAD 0.00003 and 0.00004; ExAC 0.00002; TOPMed 0.00003.
gnomAD v4.1: 18 of 1,613,732 alleles (0.0011%); highest among the groups gnomAD compares: East Asian, 0.0022%; no homozygotes.

Submissions (8):

Labcorp Genetics (formerly Invitae), Labcorp
Classification: Pathogenic. Last evaluated: 2025-12-18. Review status: criteria provided, single submitter. Criteria: Invitae Variant Classification Sherloc (09022015). Collection method: clinical testing. Allele origin: germline.
Comment: This sequence change creates a premature translational stop signal (p.Arg302*) in the HTRA1 gene. It is expected to result in an absent or disrupted protein product. Loss-of-function variants in HTRA1 are known to be pathogenic (PMID: 19387015, 29895533). This variant is present in population databases (rs113993970, gnomAD 0.003%). This premature translational stop signal has been observed in individual(s) with HTRA1-related conditions (PMID: 19387015, 32101834). ClinVar contains an entry for this variant (Variation ID: 7488). For these reasons, this variant has been classified as Pathogenic.

Clinical Genetics Laboratory, Skane University Hospital Lund
Classification: Pathogenic. Last evaluated: 2024-01-23. Review status: criteria provided, single submitter. Criteria: ACMG Guidelines, 2015. Collection method: clinical testing. Allele origin: germline. Affected: yes.

GeneDx
Classification: Pathogenic. Last evaluated: 2024-01-11. Review status: criteria provided, single submitter. Criteria: GeneDx Variant Classification Process June 2021. Collection method: clinical testing. Allele origin: germline. Affected: yes.
Comment: Published functional studies demonstrate a damaging effect, as this variant shows significantly reduced protease activity, results in the oblation of complexes with alpha1-antitrypsin, and increases expression of an extra domain-A region of fibronectin, resulting in significant functional impairment (PMID: 19387015); Nonsense variant predicted to result in protein truncation or nonsense mediated decay in a gene for which loss of function is a known mechanism of disease; This variant is associated with the following publications: (PMID: 25525159, 26063658, 32581362, 26944136, 19387015, 27634960, 34433685, 32101834, 34270682)

Johns Hopkins Genomics, Johns Hopkins University
Classification: Likely pathogenic for Cerebral arteriopathy, autosomal dominant, with subcortical infarcts and leukoencephalopathy, type 2. Last evaluated: 2020-05-04. Review status: criteria provided, single submitter. Criteria: ACMG Guidelines, 2015. Collection method: clinical testing. Allele origin: germline.
Comment: This HTRA1 variant (rs113993970) is rare (<0.1%) in a large population dataset (gnomAD: 3/282606 total alleles; 0.001%; no homozygotes) and has been reported previously in patients with cerebral small-vessel disease8. This nonsense variant results in a premature stop codon in exon 4 likely leading to nonsense-mediated decay and lack of protein production. We consider this variant to be likely pathogenic.

OMIM
Classification: Pathogenic for CEREBRAL ARTERIOPATHY, AUTOSOMAL RECESSIVE, WITH SUBCORTICAL INFARCTS AND LEUKOENCEPHALOPATHY 2. Last evaluated: 2009-04-23. Review status: no assertion criteria provided. Collection method: literature only. Allele origin: germline. Not counted in ClinVar's aggregate classification.

GeneReviews
No classification provided. Condition: Cerebral arteriopathy, autosomal recessive, with subcortical infarcts and leukoencephalopathy 2. Review status: no classification provided. Collection method: literature only. Allele origin: germline. Affected: yes. Not counted in ClinVar's aggregate classification.

NIHR Bioresource Rare Diseases, University of Cambridge
Classification: Likely pathogenic for Small vessel cerebrovascular disease. Review status: no assertion criteria provided. Collection method: research. Allele origin: unknown. Affected: yes. Observed: 1 variant allele. Not counted in ClinVar's aggregate classification.

NIHR Bioresource Rare Diseases, University of Cambridge
Classification: Likely pathogenic for Seizure; Personality changes; Cognitive impairment. Review status: no assertion criteria provided. Collection method: research. Allele origin: unknown. Affected: yes. Observed: 1 variant allele. Not counted in ClinVar's aggregate classification.

Literature cited by the submitters: PubMed 19387015 (cited by 4 submitters); PubMed 29895533 (cited by Labcorp Genetics (formerly Invitae), Labcorp); PubMed 32101834 (cited by Labcorp Genetics (formerly Invitae), Labcorp and Johns Hopkins Genomics, Johns Hopkins University); PubMed 26063658 (cited by Johns Hopkins Genomics, Johns Hopkins University); NCBI Bookshelf NBK32533 (cited by GeneReviews); PubMed 32581362 (cited by NIHR Bioresource Rare Diseases, University of Cambridge).

NM_002775.5(HTRA1):c.904C>T (p.Arg302Ter)

Gene: HTRA1 (HtrA serine peptidase 1; plus strand). Cytogenetic location: 10q26.13.
Variant type: single nucleotide variant.
Coding change: c.904C>T on transcript NM_002775.5 (MANE Select); coding-DNA position 904, C replaced by T.
Protein change: p.Arg302Ter; replaces arginine 302 with a stop codon.
Molecular consequence: nonsense.
Genome position (GRCh38, 1-based): chr10:122,506,817, C>T. VCF-style: chr10-122506817-C-T. GRCh37 (hg19) VCF-style: chr10-124266333-C-T.
Other names: short protein forms R302*.
Identifiers: ClinVar variation 7488 (VCV000007488.13), dbSNP rs113993970, ClinGen allele CA340683.